The following is an entry in ClinVar:

ClinVar aggregate classification (germline): Pathogenic (1 of 4 stars; one submission).

Submission:

Labcorp Genetics (formerly Invitae), Labcorp
Classification: Pathogenic. Last evaluated: 2024-02-23. Review status: criteria provided, single submitter. Criteria: Invitae Variant Classification Sherloc (09022015). Collection method: clinical testing. Allele origin: germline.
Comment: This sequence change replaces glutamic acid, which is acidic and polar, with lysine, which is basic and polar, at codon 267 of the CLCN5 protein (p.Glu267Lys). This variant is not present in population databases (gnomAD no frequency). This missense change has been observed in individual(s) with Dent disease (PMID: 25296721, 33600050; Invitae). ClinVar contains an entry for this variant (Variation ID: 1505876). An algorithm developed to predict the effect of missense changes on protein structure and function (PolyPhen-2) suggests that this variant is likely to be disruptive. Experimental studies have shown that this missense change affects CLCN5 function (PMID: 33600050). This variant disrupts the p.Glu267 amino acid residue in CLCN5. Other variant(s) that disrupt this residue have been determined to be pathogenic (PMID: 15086899, 25907713, 26042048, 29459630). This suggests that this residue is clinically significant, and that variants that disrupt this residue are likely to be disease-causing. For these reasons, this variant has been classified as Pathogenic.

Literature cited by the submitters: PubMed 25296721; PubMed 33600050; PubMed 15086899; PubMed 25907713; PubMed 26042048; PubMed 29459630.

NM_001127898.4(CLCN5):c.1009G>A (p.Glu337Lys)

Gene: CLCN5 (chloride voltage-gated channel 5; plus strand). Cytogenetic location: Xp11.23.
Variant type: single nucleotide variant.
Coding change: c.1009G>A on transcript NM_001127898.4 (MANE Select); coding-DNA position 1009, G replaced by A.
Protein change: p.Glu337Lys; replaces glutamic acid 337 with lysine.
Molecular consequence: missense variant.
Genome position (GRCh38, 1-based): chrX:50,086,055, G>A. VCF-style: chrX-50086055-G-A. GRCh37 (hg19) VCF-style: chrX-49850712-G-A.
Other names: c.799G>A, p.Glu267Lys (NM_000084.5); c.1009G>A, p.Glu337Lys (NM_001127899.4); c.859G>A, p.Glu287Lys (NM_001282163.2); short protein forms E337K, E267K, E287K.
Identifiers: ClinVar variation 1505876 (VCV001505876.8), dbSNP rs2147594216, ClinGen allele CA413184977.